The following is an entry in ClinVar:

ClinVar aggregate classification (germline): Benign. Review status: criteria provided, single submitter (1 of 4 stars). 2 submissions from 2 submitters: Benign (1). 1 of the submissions does not count toward it. Last evaluated 2019-12-31.

Conditions:
ZFHX3-related disorder. Also called: ZFHX3-related condition.

Allele frequency attached by ClinVar (database versions not stated): ESP Exome Variant Server 0.00015; TOPMed 0.00101; gnomAD exomes 0.00278 and 0.00534; gnomAD 0.00379 and 0.00399; ExAC 0.00485; 1000 Genomes Project 30x 0.00515; 1000 Genomes Project 0.00599.
gnomAD v4.1: 4,646 of 1,614,176 alleles (0.29%); highest among the groups gnomAD compares: East Asian, 3.2%; 104 homozygotes.

Submissions (2):

Labcorp Genetics (formerly Invitae), Labcorp
Classification: Benign. Last evaluated: 2019-12-31. Review status: criteria provided, single submitter. Criteria: Invitae Variant Classification Sherloc (09022015). Collection method: clinical testing. Allele origin: germline.

PreventionGenetics, part of Exact Sciences
Classification: Benign for ZFHX3-related condition. Last evaluated: 2019-06-13. Review status: no assertion criteria provided. Collection method: clinical testing. Allele origin: germline. Not counted in ClinVar's aggregate classification.
Comment: This variant is classified as benign based on ACMG/AMP sequence variant interpretation guidelines (Richards et al. 2015 PMID: 25741868, with internal and published modifications).

NM_006885.4(ZFHX3):c.2915C>T (p.Ser972Leu)

Gene: ZFHX3 (zinc finger homeobox 3; minus strand). Cytogenetic location: 16q22.3.
Variant type: single nucleotide variant.
Coding change: c.2915C>T on transcript NM_006885.4 (MANE Select); coding-DNA position 2915, C replaced by T.
Protein change: p.Ser972Leu; replaces serine 972 with leucine.
Molecular consequence: missense variant.
Genome position (GRCh38, 1-based): chr16:72,950,770, G>A on the plus strand (C>T on the coding strand, the complement: ZFHX3 is on the minus strand). VCF-style: chr16-72950770-G-A. GRCh37 (hg19) VCF-style: chr16-72984669-G-A.
Other names: c.173C>T, p.Ser58Leu (NM_001164766.2); short protein forms S58L, S972L.
Identifiers: ClinVar variation 708551 (VCV000708551.6), dbSNP rs77124117, ClinGen allele CA8164252.